The following is an entry in ClinVar:

NM_000540.3(RYR1):c.9831A>G (p.Leu3277=)

Gene: RYR1 (ryanodine receptor 1; plus strand). Cytogenetic location: 19q13.2.
Variant type: single nucleotide variant.
Coding change: c.9831A>G on transcript NM_000540.3 (MANE Select); coding-DNA position 9831, A replaced by G.
Protein change: p.Leu3277=; no amino-acid change (leucine 3277 retained).
Molecular consequence: synonymous variant.
Genome position (GRCh38, 1-based): chr19:38,517,504, A>G. VCF-style: chr19-38517504-A-G. GRCh37 (hg19) VCF-style: chr19-39008144-A-G.
Other names: c.9831A>G, p.Leu3277= (NM_001042723.2).
Identifiers: ClinVar variation 748851 (VCV000748851.34), dbSNP rs1396803935, ClinGen allele CA507247193.
Genomic context (GRCh38, chr19:38,517,504, plus strand): 5'-CGAGTCAGGTGCCCGCTACACAGAGATGCCGCATGTCATCGAGATCACGCTGCCCATGCT[A>G]TGCAGCTACCTGCCCCGATGGTGGGAGCGCGGGCCCGAGGCACCCCCTTCCGCCCTGCCC-3'
Protein context (NP_000531.2, residues 3267-3287): PHVIEITLPM[Leu3277=]CSYLPRWWER

ClinVar aggregate classification (germline): Likely benign. Review status: criteria provided, multiple submitters, no conflicts (2 of 4 stars). 4 submissions from 4 submitters: Likely benign (3). 1 of the submissions does not count toward it. Last evaluated 2024-07-03.

Conditions:
RYR1-related disorder. Also called: RYR1-related disorders; RYR1-related condition. Identifiers: MedGen CN239331.
Malignant hyperthermia, susceptibility to, 1 (MHS1). Also called: RYR1-Related Malignant Hyperthermia Susceptibility; Anesthesia related hyperthermia; Malignant hyperpyrexia; Fulminating hyperpyrexia; Pharmacogenic myopathy; Malignant hyperthermia suceptibility 1. Identifiers: Orphanet 423, MedGen C2930980, MONDO:0007783, OMIM 145600.

Allele frequency attached by ClinVar (database versions not stated): gnomAD exomes below 0.00001 and 0.00001.

Submissions (4):

Labcorp Genetics (formerly Invitae), Labcorp
Classification: Likely benign for RYR1-related disorder. Last evaluated: 2024-07-03. Review status: criteria provided, single submitter. Criteria: Invitae Variant Classification Sherloc (09022015). Collection method: clinical testing. Allele origin: germline.

All of Us Research Program, National Institutes of Health
Classification: Likely benign for Malignant hyperthermia, susceptibility to, 1. Last evaluated: 2024-04-16. Review status: criteria provided, single submitter. Criteria: ACMG Guidelines, 2015. Collection method: clinical testing. Allele origin: germline. Inheritance: Autosomal dominant inheritance. Observed: 8 variant alleles, 8 heterozygotes.
Comment: This study involves interpretation of variants in research participants for the purpose of population health screening. Participant phenotype was not available at the time of variant classification. Additional details can be found in publication PMID: 35346344, PMCID: PMC8962531

CeGaT Center for Human Genetics Tuebingen
Classification: Likely benign. Last evaluated: 2022-12-01. Review status: criteria provided, single submitter. Criteria: CeGaT Center For Human Genetics Tuebingen Variant Classification Criteria Version 2. Collection method: clinical testing. Allele origin: germline. Affected: yes. Observed: 1 variant allele.
Comment: RYR1: BP4, BP7

PreventionGenetics, part of Exact Sciences
Classification: Likely benign for RYR1-related condition. Last evaluated: 2024-09-18. Review status: no assertion criteria provided. Collection method: clinical testing. Allele origin: germline. Not counted in ClinVar's aggregate classification.
Comment: This variant is classified as likely benign based on ACMG/AMP sequence variant interpretation guidelines (Richards et al. 2015 PMID: 25741868, with internal and published modifications).